The following is an entry in ClinVar:

NM_032043.3(BRIP1):c.1206T>G (p.Ala402=)

Gene: BRIP1 (BRCA1 interacting DNA helicase 1; minus strand). Cytogenetic location: 17q23.2.
Variant type: single nucleotide variant.
Coding change: c.1206T>G on transcript NM_032043.3 (MANE Select); coding-DNA position 1206, T replaced by G.
Protein change: p.Ala402=; no amino-acid change (alanine 402 retained).
Molecular consequence: synonymous variant.
Genome position (GRCh38, 1-based): chr17:61,799,234, A>C on the plus strand (T>G on the coding strand, the complement: BRIP1 is on the minus strand). VCF-style: chr17-61799234-A-C. GRCh37 (hg19) VCF-style: chr17-59876595-A-C.
Identifiers: ClinVar variation 929535 (VCV000929535.4), dbSNP rs1203573533, ClinGen allele CA501151586.
Genomic context (GRCh38, chr17:61,799,234, plus strand): 5'-TAGTTCATCCCGAGCAAACCGAAGCTGAACTTCTGTTACACTGTAACTTGCTGATTCCCG[A>C]GCACAGTCCTCGATGTTATGAGCTTCATCTAAAATGACAACCTGTTCTTTCAGATTTAAA-3'
Protein context (NP_114432.2, residues 392-412): LDEAHNIEDC[Ala402=]RESASYSVTE

ClinVar aggregate classification (germline): Benign/Likely benign. Review status: criteria provided, multiple submitters, no conflicts (2 of 4 stars). 3 submissions from 3 submitters: Benign (1); Likely benign (1). 1 of the submissions does not count toward it. Last evaluated 2024-08-26.

Conditions:
Hereditary cancer-predisposing syndrome. Also called: Neoplastic Syndromes, Hereditary; Hereditary Cancer Syndrome; Tumor predisposition; Hereditary neoplastic syndrome. Identifiers: Orphanet 140162, MedGen C0027672, MeSH D009386, MONDO:0015356.
Familial cancer of breast. Also called: Hereditary breast cancer; BREAST CANCER, FAMILIAL; hereditary breast carcinoma. Identifiers: Orphanet 227535, MedGen C0346153, MONDO:0016419, OMIM 114480. Disease mechanism: loss of function.

Submissions (3):

Myriad Genetics, Inc.
Classification: Benign for Familial cancer of breast. Last evaluated: 2024-08-26. Review status: criteria provided, single submitter. Criteria: Myriad Autosomal Dominant, Autosomal Recessive and X-Linked Classification Criteria (2023). Collection method: clinical testing. Allele origin: unknown.
Comment: This variant is considered benign. This variant is a silent/synonymous amino acid change and it is not expected to impact splicing.

Ambry Genetics
Classification: Likely benign for Hereditary cancer-predisposing syndrome. Last evaluated: 2021-04-14. Review status: criteria provided, single submitter. Criteria: Ambry Variant Classification Scheme 2023. Collection method: clinical testing. Allele origin: germline.

Leiden Open Variation Database
Classification: Uncertain significance. Last evaluated: 2019-08-13. Review status: no assertion criteria provided. Collection method: curation. Allele origin: germline. Affected: yes. Not counted in ClinVar's aggregate classification.
Comment: Curator: Arleen D. Auerbach. Submitter to LOVD: Yukihide Momozawa.

Literature cited by the submitters: PubMed 31214711 (cited by Ambry Genetics and Leiden Open Variation Database).